The following is an entry in ClinVar:

NM_206933.4(USH2A):c.15581G>A (p.Arg5194His)

Gene: USH2A (usherin; minus strand). Cytogenetic location: 1q41.
Variant type: single nucleotide variant.
Coding change: c.15581G>A on transcript NM_206933.4 (MANE Select); coding-DNA position 15581, G replaced by A.
Protein change: p.Arg5194His; replaces arginine 5194 with histidine.
Molecular consequence: missense variant.
Genome position (GRCh38, 1-based): chr1:215,625,809, C>T on the plus strand (G>A on the coding strand, the complement: USH2A is on the minus strand). VCF-style: chr1-215625809-C-T. GRCh37 (hg19) VCF-style: chr1-215799151-C-T.
Other names: short protein forms R5194H.
Identifiers: ClinVar variation 179824 (VCV000179824.34), dbSNP rs727505155, ClinGen allele CA185216.

ClinVar aggregate classification (germline): Conflicting classifications of pathogenicity. Review status: criteria provided, conflicting classifications (1 of 4 stars). 4 submissions from 4 submitters: Uncertain significance (1); Likely benign (2). 1 of the submissions does not count toward it. Last evaluated 2025-09-03.

Conditions:
Inborn genetic diseases. Identifiers: MedGen C0950123, MeSH D030342.
Usher syndrome type 2A. Also called: USHER SYNDROME, TYPE IIA; RETINAL DISEASE IN USHER SYNDROME TYPE IIA, MODIFIER OF. Identifiers: Orphanet 231178, Orphanet 886, MedGen C1848634, MONDO:0010169, OMIM 276901.
Retinitis pigmentosa 39 (RP39). Identifiers: Orphanet 791, MedGen C3151138, MONDO:0013436, OMIM 613809.

Allele frequency attached by ClinVar (database versions not stated): TOPMed 0.00003.
gnomAD v4.1: 47 of 1,613,912 alleles (0.0029%); highest among the groups gnomAD compares: Admixed American, 0.005%; no homozygotes.

Submissions (4):

Ambry Genetics
Classification: Likely benign for Inborn genetic diseases. Last evaluated: 2025-09-03. Review status: criteria provided, single submitter. Criteria: Ambry Variant Classification Scheme 2023. Collection method: clinical testing. Allele origin: germline.

CeGaT Center for Human Genetics Tuebingen
Classification: Uncertain significance. Last evaluated: 2023-04-01. Review status: criteria provided, single submitter. Criteria: CeGaT Center For Human Genetics Tuebingen Variant Classification Criteria Version 2. Collection method: clinical testing. Allele origin: germline. Affected: yes. Observed: 1 variant allele.
Comment: USH2A: PM2, BP4

Laboratory for Molecular Medicine, Mass General Brigham Personalized Medicine
Classification: Likely benign. Last evaluated: 2014-06-30. Review status: criteria provided, single submitter. Criteria: LMM Criteria. Collection method: clinical testing. Allele origin: germline. Observed: 1 variant allele.
Comment: Arg5194His in exon 72 of USH2A: This variant is not expected to have clinical si gnificance due to a lack of conservation across species, including mammals. Of n ote, most mammals, including some primates, have a histidine (His) at this posit ion.

Counsyl
Classification: Uncertain significance for Usher syndrome type 2A; Retinitis pigmentosa 39. Last evaluated: 2017-07-31. Review status: no assertion criteria provided. Collection method: clinical testing. Allele origin: unknown. Not counted in ClinVar's aggregate classification.